The following is an entry in ClinVar:

NM_000152.5(GAA):c.1157dup (p.Val387fs)

Gene: GAA (alpha glucosidase; plus strand). Cytogenetic location: 17q25.3.
Variant type: Duplication.
Coding change: c.1157dup on transcript NM_000152.5 (MANE Select); coding-DNA position 1157, one base duplicated (A; older notation c.1157dupA).
Protein change: p.Val387fs; shifts the reading frame from valine 387.
Molecular consequence: frameshift variant.
Genome position (GRCh38, 1-based): chr17:80,108,570, A duplicated. VCF-style (leftmost placement, unchanged base first): chr17-80108569-C-CA. GRCh37 (hg19) VCF-style: chr17-78082368-C-CA.
Other names: c.1157dup, p.Val387fs (NM_001079803.3, NM_001079804.3, NM_001406741.1 and 1 more transcripts); short protein forms V387fs.
Identifiers: ClinVar variation 4876288 (VCV004876288.1).

ClinVar aggregate classification (germline): Pathogenic (1 of 4 stars; one submission).

Conditions:
Glycogen storage disease, type II (IOPD). Also called: Pompe Disease; CARDIOMEGALIA GLYCOGENICA DIFFUSA; GLYCOGENOSIS, GENERALIZED, CARDIAC FORM; GSD II; POMPE DISEASE, INFANTILE-ONSET; GLYCOGEN STORAGE DISEASE II, INFANTILE-ONSET. Identifiers: Orphanet 365, MedGen C0017921, MONDO:0009290, OMIM 232300.

Submission:

Genomenon, Inc
Classification: Pathogenic for Glycogen storage disease, type II. Last evaluated: 2026-07-01. Review status: criteria provided, single submitter. Criteria: Genomenon Sequence Variant Interpretation Standards - Updated. Collection method: curation. Allele origin: germline. Affected: yes.
Comment: GAA p.Val387GlyfsTer119 (c.1157dup) is a frameshift variant that is predicted to introduce a premature termination codon and result in a truncated or absent protein product. This variant has been observed in at least one proband with a GAA-related disorder (PMID:20882352;25626711). It is absent or not present at a significant frequency in gnomAD. In conclusion, we classify GAA p.Val387GlyfsTer119 (c.1157dup) as a pathogenic variant.

Literature cited by the submitters: PubMed 20882352; PubMed 25626711.